The following is an entry in ClinVar:

ClinVar aggregate classification (germline): Benign/Likely benign. Review status: criteria provided, multiple submitters, no conflicts (2 of 4 stars). 3 submissions from 3 submitters: Benign (1); Likely benign (2). Last evaluated 2025-08-29.

Conditions:
Emery-Dreifuss muscular dystrophy 5, autosomal dominant (EDMD5). Also called: EMERY-DREIFUSS MUSCULAR DYSTROPHY 5. Identifiers: Orphanet 261, MedGen C2751805, MONDO:0013072, OMIM 612999.

Allele frequency attached by ClinVar (database versions not stated): gnomAD 0.00004 and 0.00006; TOPMed 0.00005; gnomAD exomes 0.00006 and 0.00012; ExAC 0.00009; 1000 Genomes Project 0.00040; 1000 Genomes Project 30x 0.00047.
gnomAD v4.1: 98 of 1,614,156 alleles (0.0061%); highest among the groups gnomAD compares: East Asian, 0.18%; 1 homozygote.

Submissions (3):

Labcorp Genetics (formerly Invitae), Labcorp
Classification: Benign for Emery-Dreifuss muscular dystrophy 5, autosomal dominant. Last evaluated: 2025-08-29. Review status: criteria provided, single submitter. Criteria: Invitae Variant Classification Sherloc (09022015). Collection method: clinical testing. Allele origin: germline.

CeGaT Center for Human Genetics Tuebingen
Classification: Likely benign. Last evaluated: 2024-07-01. Review status: criteria provided, single submitter. Criteria: CeGaT Center For Human Genetics Tuebingen Variant Classification Criteria Version 2. Collection method: clinical testing. Allele origin: germline. Affected: yes. Observed: 1 variant allele.
Comment: SYNE2: BP4, BP7

Blueprint Genetics
Classification: Likely benign. Last evaluated: 2021-05-27. Review status: criteria provided, single submitter. Criteria: ACMG Guidelines, 2015. Collection method: clinical testing. Allele origin: germline.

NM_182914.3(SYNE2):c.13308C>T (p.Asp4436=)

Gene: SYNE2 (spectrin repeat containing nuclear envelope protein 2; plus strand). Cytogenetic location: 14q23.2.
Variant type: single nucleotide variant.
Coding change: c.13308C>T on transcript NM_182914.3 (MANE Select); coding-DNA position 13308, C replaced by T.
Protein change: p.Asp4436=; no amino-acid change (aspartic acid 4436 retained).
Molecular consequence: synonymous variant.
Genome position (GRCh38, 1-based): chr14:64,122,313, C>T. VCF-style: chr14-64122313-C-T. GRCh37 (hg19) VCF-style: chr14-64589031-C-T.
Other names: c.13308C>T, p.Asp4436= (NM_015180.6).
Identifiers: ClinVar variation 1166237 (VCV001166237.27), dbSNP rs201277635, ClinGen allele CA7222404.